The following is an entry in ClinVar:

NM_001482.3(GATM):c.1170C>G (p.Thr390=)

Gene: GATM (glycine amidinotransferase; minus strand). Cytogenetic location: 15q21.1.
Variant type: single nucleotide variant.
Coding change: c.1170C>G on transcript NM_001482.3 (MANE Select); coding-DNA position 1170, C replaced by G.
Protein change: p.Thr390=; no amino-acid change (threonine 390 retained).
Molecular consequence: synonymous variant.
Genome position (GRCh38, 1-based): chr15:45,362,211, G>C on the plus strand (C>G on the coding strand, the complement: GATM is on the minus strand). VCF-style: chr15-45362211-G-C. GRCh37 (hg19) VCF-style: chr15-45654409-G-C.
Other names: NM_001482.3(GATM):c.1170C>G; p.Thr390=; c.783C>G, p.Thr261= (NM_001321015.2).
Identifiers: ClinVar variation 513891 (VCV000513891.10), dbSNP rs368737044, ClinGen allele CA7542760.
Genomic context (GRCh38, chr15:45,362,211, plus strand): 5'-GCAGGTCCAGCAATGGAAGCCTCCTCCCAGGGAATTGGCATTACGAATGTTAACTTTAAT[G>C]GTAGTGATACCTGCATTGAAAGAGAGATGAGGTCAGTTAGATGGACTAACATGACGATTC-3'
Protein context (NP_001473.1, residues 380-400): QKMFEKLGIT[Thr390=]IKVNIRNANS

ClinVar aggregate classification (germline): Likely benign. Review status: reviewed by expert panel (3 of 4 stars). 3 submissions from 3 submitters: Likely benign (1). 2 of the submissions do not count toward it. Last evaluated 2022-06-06.

Conditions:
Arginine:glycine amidinotransferase deficiency (CCDS3). Also called: L-Arginine:Glycine Amidinotransferase (AGAT) Deficiency; Cerebral creatine deficiency syndrome 3; AGAT deficiency; L-Arginine:Glycine Amidinotransferase Deficiency; Creatine deficiency syndrome due to AGAT deficiency; GATM deficiency. Identifiers: Orphanet 35704, MedGen C2675179, MONDO:0012996, OMIM 612718.

Allele frequency attached by ClinVar (database versions not stated): gnomAD 0.00001; gnomAD exomes 0.00001 and 0.00006; ExAC 0.00002; TOPMed 0.00002; ESP Exome Variant Server 0.00008.
gnomAD v4.1: 85 of 1,599,032 alleles (0.0053%); highest among the groups gnomAD compares: Non-Finnish European, 0.0071%; no homozygotes.

Submissions (3):

ClinGen Cerebral Creatine Deficiency Syndromes Variant Curation Expert Panel, ClinGen
Classification: Likely benign for Arginine:glycine amidinotransferase deficiency. Last evaluated: 2022-06-06. Review status: reviewed by expert panel. Criteria: ClinGen_CCDS_ACMG_Specifications_GATM_v1.1. Collection method: curation. Allele origin: germline. Inheritance: Autosomal recessive inheritance.
Comment: The NM_001482.3:c.1170C>G (p.Thr390=) variant in GATM is a synonymous (silent) variant that is not predicted by SpliceAI to impact splicing. In addition, it occurs at a nucleotide that is not highly conserved as shown by PhyloP (BP7). This variant is absent in gnomAD v2.1.1 (PM2_Supporting). The computational splicing predictor SpliceAI gives a score of 0.0 for donor and acceptor loss suggesting that the variant has no impact on splicing (BP4). There is a ClinVar entry for this variant (Variation ID: 513891). Although this variant is rare (meeting PM2_Supporting), it has been classified as likely benign by the ClinGen Creatine Deficiency Syndromes (CCDS) Variant Curation Expert Panel (VCEP) based on the recommendation of Richards et al (PMID: 25741868) because it is a synonymous variant, the altered nucleotide is not highly conserved, computational prediction suggests no impact on splicing, and there is no additional evidence to suggest that the variant is disease-causing. GATM-specific ACMG/AMP criteria applied, as specified by the CCDS VCEP (Specifications Version 1.1.0): PM2_Supporting, BP4, BP7. (Classification approved by the ClinGen CCDS VCEP on June 6, 2022).

Labcorp Genetics (formerly Invitae), Labcorp
Classification: Likely benign for Arginine:glycine amidinotransferase deficiency. Last evaluated: 2025-02-16. Review status: criteria provided, single submitter. Criteria: Invitae Variant Classification Sherloc (09022015). Collection method: clinical testing. Allele origin: germline. Not counted in ClinVar's aggregate classification.

GeneDx
Classification: Likely benign. Last evaluated: 2017-12-05. Review status: criteria provided, single submitter. Criteria: GeneDx Variant Classification (06012015). Collection method: clinical testing. Allele origin: germline. Affected: yes. Not counted in ClinVar's aggregate classification.
Comment: This variant is considered likely benign or benign based on one or more of the following criteria: it is a conservative change, it occurs at a poorly conserved position in the protein, it is predicted to be benign by multiple in silico algorithms, and/or has population frequency not consistent with disease.